The following is an entry in ClinVar:

ClinVar aggregate classification (germline): Pathogenic (1 of 4 stars; one submission).

Conditions:
Microcephaly, normal intelligence and immunodeficiency (NBS). Also called: IMMUNODEFICIENCY, MICROCEPHALY, AND CHROMOSOMAL INSTABILITY; Immunodeficiency, microcephaly with normal intelligence; SEEMANOVA SYNDROME II; Ataxia telangiectasia variant V1; Microcephaly with normal intelligence immunodeficiency and lymphoreticular malignancies; Nonsyndromal microcephaly autosomal recessive with normal intelligence. Identifiers: Orphanet 647, MedGen C0398791, MONDO:0009623, OMIM 251260.

Submission:

Labcorp Genetics (formerly Invitae), Labcorp
Classification: Pathogenic for Microcephaly, normal intelligence and immunodeficiency. Last evaluated: 2021-09-29. Review status: criteria provided, single submitter. Criteria: Invitae Variant Classification Sherloc (09022015). Collection method: clinical testing. Allele origin: germline.
Comment: For these reasons, this variant has been classified as Pathogenic. This variant has not been reported in the literature in individuals with NBN-related conditions. ClinVar contains an entry for this variant (Variation ID: 643026). This variant is not present in population databases (ExAC no frequency). This sequence change creates a premature translational stop signal (p.Cys167Leufs*13) in the NBN gene. It is expected to result in an absent or disrupted protein product. Loss-of-function variants in NBN are known to be pathogenic (PMID: 9590180, 16415040).

Literature cited by the submitters: PubMed 9590180; PubMed 16415040.

NM_002485.5(NBN):c.499dup (p.Cys167fs)

Gene: NBN (nibrin; minus strand). Cytogenetic location: 8q21.3.
Variant type: Duplication.
Coding change: c.499dup on transcript NM_002485.5 (MANE Select); coding-DNA position 499, one base duplicated (T; older notation c.499dupT).
Protein change: p.Cys167fs; shifts the reading frame from cysteine 167.
Molecular consequence: frameshift variant.
Genome position (GRCh38, 1-based): chr8:89,978,305, A duplicated on the plus strand (T on the coding strand, the reverse complement: NBN is on the minus strand); the first of 3 consecutive A bases (chr8:89,978,305-89,978,307); duplicating any one gives the same sequence. VCF-style (leftmost placement, unchanged base first): chr8-89978304-C-CA. GRCh37 (hg19) VCF-style: chr8-90990532-C-CA.
Other names: c.253dup, p.Cys85fs (NM_001024688.3); c.499dupT (NM_002485.4); short protein forms C167fs, C85fs.
Identifiers: ClinVar variation 643026 (VCV000643026.6), dbSNP rs1586101561, ClinGen allele CA915945798.